The following is an entry in ClinVar:

ClinVar aggregate classification (germline): Uncertain significance (1 of 4 stars; one submission).

Conditions:
Fanconi anemia (FA). Also called: Fanconi's anemia. Identifiers: Orphanet 84, MedGen C0015625, MeSH D005199, MONDO:0019391.

Submission:

Labcorp Genetics (formerly Invitae), Labcorp
Classification: Uncertain significance for Fanconi anemia. Last evaluated: 2024-10-02. Review status: criteria provided, single submitter. Criteria: Invitae Variant Classification Sherloc (09022015). Collection method: clinical testing. Allele origin: germline.
Comment: This sequence change replaces glycine, which is neutral and non-polar, with aspartic acid, which is acidic and polar, at codon 1689 of the SLX4 protein (p.Gly1689Asp). This variant is not present in population databases (gnomAD no frequency). This variant has not been reported in the literature in individuals affected with SLX4-related conditions. ClinVar contains an entry for this variant (Variation ID: 1523325). An algorithm developed to predict the effect of missense changes on protein structure and function outputs the following: PolyPhen-2: "Benign". The aspartic acid amino acid residue is found in multiple mammalian species, which suggests that this missense change does not adversely affect protein function. In summary, the available evidence is currently insufficient to determine the role of this variant in disease. Therefore, it has been classified as a Variant of Uncertain Significance.

NM_032444.4(SLX4):c.5066G>A (p.Gly1689Asp)

Gene: SLX4 (SLX4 structure-specific endonuclease subunit; minus strand). Cytogenetic location: 16p13.3.
Variant type: single nucleotide variant.
Coding change: c.5066G>A on transcript NM_032444.4 (MANE Select); coding-DNA position 5066, G replaced by A.
Protein change: p.Gly1689Asp; replaces glycine 1689 with aspartic acid.
Molecular consequence: missense variant.
Genome position (GRCh38, 1-based): chr16:3,583,184, C>T on the plus strand (G>A on the coding strand, the complement: SLX4 is on the minus strand). VCF-style: chr16-3583184-C-T. GRCh37 (hg19) VCF-style: chr16-3633185-C-T.
Other names: short protein forms G1689D.
Identifiers: ClinVar variation 1523325 (VCV001523325.8), dbSNP rs2151116548, ClinGen allele CA394514636.